The following is an entry in ClinVar:

NM_001148.6(ANK2):c.11587G>T (p.Asp3863Tyr)

Gene: ANK2 (ankyrin 2; plus strand). Cytogenetic location: 4q26.
Variant type: single nucleotide variant.
Coding change: c.11587G>T on transcript NM_001148.6 (MANE Select); coding-DNA position 11587, G replaced by T.
Protein change: p.Asp3863Tyr; replaces aspartic acid 3863 with tyrosine.
Molecular consequence: missense variant.
Genome position (GRCh38, 1-based): chr4:113,369,782, G>T. VCF-style: chr4-113369782-G-T. GRCh37 (hg19) VCF-style: chr4-114290938-G-T.
Other names: c.11587G>T (NM_001148.4); c.5305G>T, p.Asp1769Tyr (NM_001127493.3); c.5344G>T, p.Asp1782Tyr (NM_001354225.2); c.5233G>T, p.Asp1745Tyr (NM_001354228.2, NM_001354258.2); c.5311G>T, p.Asp1771Tyr (NM_001354230.2); c.5374G>T, p.Asp1792Tyr (NM_001354231.2, NM_001354242.2); c.5368G>T, p.Asp1790Tyr (NM_001354232.2); c.5329G>T, p.Asp1777Tyr (NM_001354235.2, NM_001354246.2, NM_001354265.2); and 36 more; short protein forms D1678Y, D1705Y, D1707Y, D1724Y, D1731Y, D1756Y, D1778Y, D1782Y.
Identifiers: ClinVar variation 1044010 (VCV001044010.6), dbSNP rs886039041, ClinGen allele CA357943039.

ClinVar aggregate classification (germline): Uncertain significance. Review status: criteria provided, multiple submitters, no conflicts (2 of 4 stars). 2 submissions from 2 submitters: Uncertain significance (2). Last evaluated 2024-03-19.

Conditions:
Long QT syndrome (LQTS). Identifiers: MedGen C0023976, MeSH D008133, MONDO:0002442. Disease mechanism: loss of function. Inheritance: Various modes of inheritance.
Cardiovascular phenotype. Identifiers: MedGen CN230736.

Submissions (2):

Ambry Genetics
Classification: Uncertain significance for Cardiovascular phenotype. Last evaluated: 2024-03-19. Review status: criteria provided, single submitter. Criteria: Ambry Variant Classification Scheme 2023. Collection method: clinical testing. Allele origin: germline.

Labcorp Genetics (formerly Invitae), Labcorp
Classification: Uncertain significance for Long QT syndrome. Last evaluated: 2020-01-03. Review status: criteria provided, single submitter. Criteria: Invitae Variant Classification Sherloc (09022015). Collection method: clinical testing. Allele origin: germline.
Comment: In summary, the available evidence is currently insufficient to determine the role of this variant in disease. Therefore, it has been classified as a Variant of Uncertain Significance. Algorithms developed to predict the effect of missense changes on protein structure and function are either unavailable or do not agree on the potential impact of this missense change (SIFT: "Tolerated"; PolyPhen-2: "Probably Damaging"; Align-GVGD: "Class C0"). This variant has not been reported in the literature in individuals with ANK2-related conditions. This variant is not present in population databases (ExAC no frequency). This sequence change replaces aspartic acid with tyrosine at codon 3863 of the ANK2 protein (p.Asp3863Tyr). The aspartic acid residue is moderately conserved and there is a large physicochemical difference between aspartic acid and tyrosine.